The following is an entry in ClinVar:

ClinVar aggregate classification (germline): Uncertain significance (1 of 4 stars; one submission).

Conditions:
Neuropathy, hereditary sensory, type 2C. Also called: Hereditary sensory and autonomic neuropathy type IIC; KIF1A-Related HSAN2 (HSAN2C). Identifiers: Orphanet 970, MedGen C3280168, MONDO:0013634, OMIM 614213.
Intellectual disability, autosomal dominant 9 (NESCAVS). Also called: NESCAV SYNDROME; KIF1A-Related Neurodevelopmental Disorder. Identifiers: Orphanet 662367, MedGen C5393830, MONDO:0013656, OMIM 614255.
Hereditary spastic paraplegia 30. Identifiers: Orphanet 101010, MedGen C5235139, MONDO:0012476.

Allele frequency attached by ClinVar (database versions not stated): gnomAD exomes below 0.00001.
gnomAD v4.1: 1 of 1,613,500 alleles (0.000062%); highest among the groups gnomAD compares: Non-Finnish European, 0.000085%; no homozygotes.

Submission:

Labcorp Genetics (formerly Invitae), Labcorp
Classification: Uncertain significance for Hereditary spastic paraplegia 30; Neuropathy, hereditary sensory, type 2C; Intellectual disability, autosomal dominant 9. Last evaluated: 2025-03-05. Review status: criteria provided, single submitter. Criteria: Invitae Variant Classification Sherloc (09022015). Collection method: clinical testing. Allele origin: germline.
Comment: This sequence change replaces isoleucine, which is neutral and non-polar, with valine, which is neutral and non-polar, at codon 511 of the KIF1A protein (p.Ile511Val). This variant is present in population databases (no rsID available, gnomAD 0.0009%). This variant has not been reported in the literature in individuals affected with KIF1A-related conditions. ClinVar contains an entry for this variant (Variation ID: 464213). Invitae Evidence Modeling of protein sequence and biophysical properties (such as structural, functional, and spatial information, amino acid conservation, physicochemical variation, residue mobility, and thermodynamic stability) indicates that this missense variant is expected to disrupt KIF1A protein function with a positive predictive value of 95%. In summary, the available evidence is currently insufficient to determine the role of this variant in disease. Therefore, it has been classified as a Variant of Uncertain Significance.

NM_001244008.2(KIF1A):c.1558A>G (p.Ile520Val)

Gene: KIF1A (kinesin family member 1A; minus strand). Cytogenetic location: 2q37.3.
Variant type: single nucleotide variant.
Coding change: c.1558A>G on transcript NM_001244008.2 (MANE Select); coding-DNA position 1558, A replaced by G.
Protein change: p.Ile520Val; replaces isoleucine 520 with valine.
Molecular consequence: missense variant.
Genome position (GRCh38, 1-based): chr2:240,767,285, T>C on the plus strand (A>G on the coding strand, the complement: KIF1A is on the minus strand). VCF-style: chr2-240767285-T-C. GRCh37 (hg19) VCF-style: chr2-241706702-T-C.
Other names: c.1558A>G, p.Ile520Val (NM_001320705.2, NM_001330289.2, NM_001379638.1); c.1633A>G, p.Ile545Val (NM_001330290.2, NM_001379631.1, NM_001379634.1 and 2 more transcripts); c.1531A>G, p.Ile511Val (NM_001379632.1, NM_001379633.1, NM_001379636.1 and 10 more transcripts); c.1606A>G, p.Ile536Val (NM_001379637.1, NM_001379648.1); short protein forms I511V, I520V, I545V, I536V.
Identifiers: ClinVar variation 464213 (VCV000464213.2), dbSNP rs1433726322, ClinGen allele CA351328465.